The following is an entry in ClinVar:

ClinVar aggregate classification (germline): Uncertain significance (1 of 4 stars; one submission).

Conditions:
Fabry disease. Also called: Fabry's disease; ALPHA-GALACTOSIDASE A DEFICIENCY; ANDERSON-FABRY DISEASE; CERAMIDE TRIHEXOSIDASE DEFICIENCY; GLA DEFICIENCY; HEREDITARY DYSTOPIC LIPIDOSIS. Identifiers: Orphanet 324, MedGen C0002986, MONDO:0010526, OMIM 301500, HP:0001071. Disease mechanism: Fabry disease is due to inactivating mutations in the X-linked GLA gene resulting in deficiency of the enzyme Alpha Galactosidase-A., loss of function.

Allele frequency attached by ClinVar (database versions not stated): gnomAD exomes below 0.00001; TOPMed below 0.00001; gnomAD 0.00002.
gnomAD v4.1: 4 of 1,209,976 alleles (0.00033%); highest among the groups gnomAD compares: African/African-American, 0.007%; no homozygotes.

Submission:

All of Us Research Program, National Institutes of Health
Classification: Uncertain significance for Fabry disease. Last evaluated: 2024-07-10. Review status: criteria provided, single submitter. Criteria: ACMG Guidelines, 2015. Collection method: clinical testing. Allele origin: germline. Inheritance: X-linked inheritance. Observed: 2 variant alleles, 2 heterozygotes.
Comment: This missense variant replaces alanine with valine at codon 15 of the GLA protein. Computational prediction suggests that this variant may not impact protein structure and function (internally defined REVEL score threshold <= 0.5, PMID: 27666373). To our knowledge, functional studies have not been reported for this variant. This variant has been identified in 1/21831 chromosomes in the general population by the Genome Aggregation Database (gnomAD). A different missense variant affecting the same codon, p.Ala15Glu, is considered to be disease-causing (ClinVar variation ID: 2138674), suggesting that alanine at this position is important for GLA protein function. The available evidence is insufficient to determine the role of this variant in disease conclusively. Therefore, this variant is classified as a Variant of Uncertain Significance.

This study involves interpretation of variants in research participants for the purpose of population health screening. Participant phenotype was not available at the time of variant classification. Additional details can be found in publication PMID: 35346344, PMCID: PMC8962531

Literature cited by the submitters: PubMed 33663879.

NM_000169.3(GLA):c.44C>T (p.Ala15Val)

Genes: GLA (galactosidase alpha; minus strand), RPL36A-HNRNPH2 (RPL36A-HNRNPH2 readthrough; plus strand). Cytogenetic location: Xq22.1.
Variant type: single nucleotide variant.
Coding change: c.44C>T on transcript NM_000169.3 (MANE Select); coding-DNA position 44, C replaced by T.
Protein change: p.Ala15Val; replaces alanine 15 with valine.
Molecular consequence: missense variant. On other transcripts: non-coding transcript variant (3), intron variant (2).
Genome position (GRCh38, 1-based): chrX:101,407,860, G>A on the plus strand (C>T on the coding strand, the complement: GLA is on the minus strand). VCF-style: chrX-101407860-G-A. GRCh37 (hg19) VCF-style: chrX-100662848-G-A.
Other names: c.301-4076G>A (NM_001199973.2); c.178-4076G>A (NM_001199974.2); c.44C>T, p.Ala15Val (NM_001406747.1, NM_001406748.1, NM_001406749.1); short protein forms A15V.
Identifiers: ClinVar variation 3075068 (VCV003075068.2), dbSNP rs869312304, ClinGen allele CA413937757.